The following is an entry in ClinVar:

ClinVar aggregate classification (germline): Likely benign (1 of 4 stars; one submission).

Submission:

CeGaT Center for Human Genetics Tuebingen
Classification: Likely benign. Last evaluated: 2026-05-01. Review status: criteria provided, single submitter. Criteria: CeGaT Center For Human Genetics Tuebingen Variant Classification Criteria Version 2. Collection method: clinical testing. Allele origin: germline. Affected: yes. Observed: 1 variant allele.
Comment: VPS45: PM2:Supporting, BP4, BP7

NM_007259.5(VPS45):c.228+30C>T

Gene: VPS45 (vacuolar protein sorting 45 homolog; plus strand). Cytogenetic location: 1q21.2.
Variant type: single nucleotide variant.
Coding change: c.228+30C>T on transcript NM_007259.5 (MANE Select); 30 bases into the intron after coding-DNA position 228, C replaced by T.
Molecular consequence: intron variant.
Genome position (GRCh38, 1-based): chr1:150,068,794, C>T. VCF-style: chr1-150068794-C-T. GRCh37 (hg19) VCF-style: chr1-150040851-C-T.
Other names: c.120+30C>T (NM_001279353.2, NM_001279354.2).
Identifiers: ClinVar variation 4873075 (VCV004873075.2).